The following is an entry in ClinVar:

NM_001372.4(DNAH9):c.768G>A (p.Lys256=)

Gene: DNAH9 (dynein axonemal heavy chain 9; plus strand). Cytogenetic location: 17p12.
Variant type: single nucleotide variant.
Coding change: c.768G>A on transcript NM_001372.4 (MANE Select); coding-DNA position 768, G replaced by A.
Protein change: p.Lys256=; no amino-acid change (lysine 256 retained).
Molecular consequence: synonymous variant.
Genome position (GRCh38, 1-based): chr17:11,610,549, G>A. VCF-style: chr17-11610549-G-A. GRCh37 (hg19) VCF-style: chr17-11513866-G-A.
Identifiers: ClinVar variation 3356777 (VCV003356777.1).

ClinVar aggregate classification (germline): Likely benign (0 of 4 stars; one submission).

Conditions:
DNAH9-related disorder. Also called: DNAH9-related condition.

gnomAD v4.1: 1 of 1,612,226 alleles (0.000062%); highest among the groups gnomAD compares: African/African-American, 0.0013%; no homozygotes.

Submission:

PreventionGenetics, part of Exact Sciences
Classification: Likely benign for DNAH9-related condition. Last evaluated: 2024-04-17. Review status: no assertion criteria provided. Collection method: clinical testing. Allele origin: germline.
Comment: This variant is classified as likely benign based on ACMG/AMP sequence variant interpretation guidelines (Richards et al. 2015 PMID: 25741868, with internal and published modifications).